The following is an entry in ClinVar:

ClinVar aggregate classification (germline): Uncertain significance (1 of 4 stars; one submission).

gnomAD v4.1: 3 of 1,571,574 alleles (0.00019%); highest among the groups gnomAD compares: Admixed American, 0.0033%; no homozygotes.

Submission:

Labcorp Genetics (formerly Invitae), Labcorp
Classification: Uncertain significance. Last evaluated: 2025-07-27. Review status: criteria provided, single submitter. Criteria: Invitae Variant Classification Sherloc (09022015). Collection method: clinical testing. Allele origin: germline.
Comment: This sequence change falls in intron 7 of the FAR1 gene. It does not directly change the encoded amino acid sequence of the FAR1 protein. It affects a nucleotide within the consensus splice site. This variant is not present in population databases (gnomAD no frequency). This variant has not been reported in the literature in individuals affected with FAR1-related conditions. Variants that disrupt the consensus splice site are a relatively common cause of aberrant splicing (PMID: 17576681, 9536098). Algorithms developed to predict the effect of sequence changes on RNA splicing suggest that this variant is not likely to affect RNA splicing. In summary, the available evidence is currently insufficient to determine the role of this variant in disease. Therefore, it has been classified as a Variant of Uncertain Significance.

Literature cited by the submitters: PubMed 17576681; PubMed 9536098.

NM_032228.6(FAR1):c.887+4T>C

Gene: FAR1 (fatty acyl-CoA reductase 1; plus strand). Cytogenetic location: 11p15.3.
Variant type: single nucleotide variant.
Coding change: c.887+4T>C on transcript NM_032228.6 (MANE Select); 4 bases into the intron after coding-DNA position 887, T replaced by C.
Molecular consequence: intron variant. On other transcripts: synonymous variant (1).
Genome position (GRCh38, 1-based): chr11:13,712,050, T>C. VCF-style: chr11-13712050-T-C. GRCh37 (hg19) VCF-style: chr11-13733597-T-C.
Other names: c.891T>C, p.Tyr297= (NM_001441242.1); c.887+4T>C (NM_001441245.1, NM_001441243.1, NM_001441247.1); c.842+4T>C (NM_001441244.1); c.590+242T>C (NM_001441248.1); c.546-916T>C (NM_001441249.1); c.545+3971T>C (NM_001441250.1); c.707+4T>C (NM_001441246.1).
Identifiers: ClinVar variation 4693026 (VCV004693026.1).